The following is an entry in ClinVar:

ClinVar aggregate classification (germline): Conflicting classifications of pathogenicity. Review status: criteria provided, conflicting classifications (1 of 4 stars). 3 submissions from 3 submitters: Uncertain significance (2); Likely benign (1). Last evaluated 2025-04-07.

Conditions:
Familial hypocalciuric hypercalcemia (FHH). Also called: Familial benign hypercalcemia. Identifiers: Orphanet 405, MedGen C1809471, MONDO:0018458.
Autosomal dominant hypocalcemia 1 (HYPOC1). Also called: HYPOCALCEMIA, FAMILIAL. Identifiers: MedGen C3715128, MONDO:0011013, OMIM 601198.
Nephrolithiasis/nephrocalcinosis. Identifiers: MedGen CN580796.
Epilepsy, idiopathic generalized, susceptibility to, 8. Identifiers: MedGen C2752062, MONDO:0013032, OMIM 612899.
Familial hypocalciuric hypercalcemia 1. Also called: Hypercalcemia, familial benign type 1. Identifiers: Orphanet 405, Orphanet 93372, MedGen C0342637, MONDO:0007791, OMIM 145980.
Neonatal severe primary hyperparathyroidism. Identifiers: Orphanet 417, MedGen C1832615, MONDO:0009397, OMIM 239200.

Allele frequency attached by ClinVar (database versions not stated): gnomAD exomes below 0.00001; TOPMed below 0.00001.
gnomAD v4.1: 1 of 1,614,210 alleles (0.000062%); no homozygotes.

Submissions (3):

Labcorp Genetics (formerly Invitae), Labcorp
Classification: Likely benign for Familial hypocalciuric hypercalcemia; Autosomal dominant hypocalcemia 1. Last evaluated: 2025-04-07. Review status: criteria provided, single submitter. Criteria: Invitae Variant Classification Sherloc (09022015). Collection method: clinical testing. Allele origin: germline.

Fulgent Genetics
Classification: Uncertain significance for Familial hypocalciuric hypercalcemia 1; Neonatal severe primary hyperparathyroidism; Autosomal dominant hypocalcemia 1; Epilepsy, idiopathic generalized, susceptibility to, 8. Last evaluated: 2024-03-24. Review status: criteria provided, single submitter. Criteria: ACMG Guidelines, 2015. Collection method: clinical testing. Allele origin: germline.

Ambry Genetics
Classification: Uncertain significance for Nephrolithiasis/nephrocalcinosis. Last evaluated: 2023-04-19. Review status: criteria provided, single submitter. Criteria: Ambry Variant Classification Scheme 2023. Collection method: clinical testing. Allele origin: germline.
Comment: The p.Q983R variant (also known as c.2948A>G), located in coding exon 6 of the CASR gene, results from an A to G substitution at nucleotide position 2948. The glutamine at codon 983 is replaced by arginine, an amino acid with highly similar properties. This amino acid position is conserved. In addition, this alteration is predicted to be tolerated by in silico analysis. Since supporting evidence is limited at this time, the clinical significance of this alteration remains unclear.

NM_000388.4(CASR):c.2948A>G (p.Gln983Arg)

Gene: CASR (calcium sensing receptor; plus strand). Cytogenetic location: 3q21.1.
Variant type: single nucleotide variant.
Coding change: c.2948A>G on transcript NM_000388.4 (MANE Select); coding-DNA position 2948, A replaced by G.
Protein change: p.Gln983Arg; replaces glutamine 983 with arginine.
Molecular consequence: missense variant.
Genome position (GRCh38, 1-based): chr3:122,284,902, A>G. VCF-style: chr3-122284902-A-G. GRCh37 (hg19) VCF-style: chr3-122003749-A-G.
Other names: c.2978A>G, p.Gln993Arg (NM_001178065.2); short protein forms Q983R, Q993R.
Identifiers: ClinVar variation 237766 (VCV000237766.10), dbSNP rs878853975, ClinGen allele CA10582123.